The following is an entry in ClinVar:

NM_000553.6(WRN):c.2983G>A (p.Ala995Thr)

Gene: WRN (WRN RecQ like helicase; plus strand). Cytogenetic location: 8p12.
Variant type: single nucleotide variant.
Coding change: c.2983G>A on transcript NM_000553.6 (MANE Select); coding-DNA position 2983, G replaced by A.
Protein change: p.Ala995Thr; replaces alanine 995 with threonine.
Molecular consequence: missense variant.
Genome position (GRCh38, 1-based): chr8:31,141,445, G>A. VCF-style: chr8-31141445-G-A. GRCh37 (hg19) VCF-style: chr8-30998961-G-A.
Other names: p.Ala995Thr; short protein forms A995T.
Identifiers: ClinVar variation 135428 (VCV000135428.68), dbSNP rs140768346, ClinGen allele CA162734.

ClinVar aggregate classification (germline): Conflicting classifications of pathogenicity. Review status: criteria provided, conflicting classifications (1 of 4 stars). 11 submissions from 11 submitters: Uncertain significance (2); Benign (3); Likely benign (5). 1 of the submissions does not count toward it. Last evaluated 2026-09-01.

Conditions:
Inborn genetic diseases. Identifiers: MedGen C0950123, MeSH D030342.
Werner syndrome (WRN). Identifiers: Orphanet 902, MedGen C0043119, MONDO:0010196, OMIM 277700.

Allele frequency attached by ClinVar (database versions not stated): 1000 Genomes Project 0.00080; 1000 Genomes Project 30x 0.00094; gnomAD 0.00193 and 0.00194; TOPMed 0.00206; ESP Exome Variant Server 0.00208; ExAC 0.00221; gnomAD exomes 0.00239 and 0.00257.
gnomAD v4.1: 4,138 of 1,614,048 alleles (0.26%); highest among the groups gnomAD compares: Middle Eastern, 2.9%; 19 homozygotes.

Submissions (11):

CeGaT Center for Human Genetics Tuebingen
Classification: Likely benign. Last evaluated: 2026-09-01. Review status: criteria provided, single submitter. Criteria: CeGaT Center For Human Genetics Tuebingen Variant Classification Criteria Version 2. Collection method: clinical testing. Allele origin: germline. Affected: yes. Observed: 33 variant alleles.
Comment: WRN: BP4

Labcorp Genetics (formerly Invitae), Labcorp
Classification: Benign for Werner syndrome. Last evaluated: 2026-02-02. Review status: criteria provided, single submitter. Criteria: Invitae Variant Classification Sherloc (09022015). Collection method: clinical testing. Allele origin: germline.

Mayo Clinic Laboratories, Mayo Clinic
Classification: Benign. Last evaluated: 2025-10-10. Review status: criteria provided, single submitter. Criteria: ACMG Guidelines, 2015. Collection method: clinical testing. Allele origin: germline. Observed: 2 variant alleles.
Comment: BS1, BS3, BP4_moderate

Genomic Medicine Center of Excellence, King Faisal Specialist Hospital and Research Centre
Classification: Likely benign for Werner syndrome. Last evaluated: 2025-07-30. Review status: criteria provided, single submitter. Criteria: ACMG Guidelines, 2015. Collection method: clinical testing. Allele origin: germline.

Blueprint Genetics
Classification: Likely benign. Last evaluated: 2024-11-25. Review status: criteria provided, single submitter. Criteria: ACMG Guidelines, 2015. Collection method: clinical testing. Allele origin: germline.

Ambry Genetics
Classification: Likely benign for Inborn genetic diseases. Last evaluated: 2021-11-10. Review status: criteria provided, single submitter. Criteria: Ambry Variant Classification Scheme 2023. Collection method: clinical testing. Allele origin: germline.

Institute for Clinical Genetics, University Hospital TU Dresden, University Hospital TU Dresden
Classification: Uncertain significance. Last evaluated: 2021-11-03. Review status: criteria provided, single submitter. Criteria: ACMG Guidelines, 2015. Collection method: clinical testing. Allele origin: germline.

GeneDx
Classification: Benign. Last evaluated: 2019-12-26. Review status: criteria provided, single submitter. Criteria: GeneDx Variant Classification Process June 2021. Collection method: clinical testing. Allele origin: germline. Affected: yes.
Comment: This variant is associated with the following publications: (PMID: 28051113, 24728327)

Illumina Laboratory Services, Illumina
Classification: Uncertain significance for Werner syndrome. Last evaluated: 2018-01-12. Review status: criteria provided, single submitter. Criteria: ICSL Variant Classification Criteria 13 December 2019. Collection method: clinical testing. Allele origin: germline.

Eurofins Ntd Llc (ga)
Classification: Likely benign. Last evaluated: 2016-05-20. Review status: criteria provided, single submitter. Criteria: EGL Classification Definitions 2015. Collection method: clinical testing. Allele origin: germline. Observed: 1 variant allele, 1 heterozygote.

ITMI
No classification provided. Condition: AllHighlyPenetrant. Last evaluated: 2013-09-19. Review status: no classification provided. Collection method: reference population. Allele origin: germline. Not counted in ClinVar's aggregate classification.
Comment: Please see associated publication for description of ethnicities

Literature cited by the submitters: PubMed 24728327 (cited by ITMI).